The following is an entry in ClinVar:

ClinVar aggregate classification (germline): Likely benign. Review status: criteria provided, single submitter (1 of 4 stars). 2 submissions from 2 submitters: Likely benign (1). 1 of the submissions does not count toward it. Last evaluated 2026-03-01.

Conditions:
CHD3-related disorder. Also called: CHD3-related condition.

Allele frequency attached by ClinVar (database versions not stated): TOPMed 0.00012; gnomAD 0.00016; ExAC 0.00017; gnomAD exomes 0.00033; ESP Exome Variant Server 0.00038.
gnomAD v4.1: 498 of 1,604,770 alleles (0.031%); highest among the groups gnomAD compares: Non-Finnish European, 0.04%; no homozygotes.

Submissions (2):

CeGaT Center for Human Genetics Tuebingen
Classification: Likely benign. Last evaluated: 2026-03-01. Review status: criteria provided, single submitter. Criteria: CeGaT Center For Human Genetics Tuebingen Variant Classification Criteria Version 2. Collection method: clinical testing. Allele origin: germline. Affected: yes. Observed: 2 variant alleles.
Comment: CHD3: BP4, BP7

PreventionGenetics, part of Exact Sciences
Classification: Likely benign for CHD3-related condition. Last evaluated: 2019-05-10. Review status: no assertion criteria provided. Collection method: clinical testing. Allele origin: germline. Not counted in ClinVar's aggregate classification.
Comment: This variant is classified as likely benign based on ACMG/AMP sequence variant interpretation guidelines (Richards et al. 2015 PMID: 25741868, with internal and published modifications).

NM_001005273.3(CHD3):c.5136C>T (p.Ala1712=)

Gene: CHD3 (chromodomain helicase DNA binding protein 3; plus strand). Cytogenetic location: 17p13.1.
Variant type: single nucleotide variant.
Coding change: c.5136C>T on transcript NM_001005273.3 (MANE Select); coding-DNA position 5136, C replaced by T.
Protein change: p.Ala1712=; no amino-acid change (alanine 1712 retained).
Molecular consequence: synonymous variant.
Genome position (GRCh38, 1-based): chr17:7,908,003, C>T. VCF-style: chr17-7908003-C-T. GRCh37 (hg19) VCF-style: chr17-7811321-C-T.
Other names: c.5313C>T, p.Ala1771= (NM_001005271.3); c.5034C>T, p.Ala1678= (NM_005852.4).
Identifiers: ClinVar variation 3042207 (VCV003042207.6), dbSNP rs143311941, ClinGen allele CA8363579.